The following is an entry in ClinVar:

NM_001276345.2(TNNT2):c.404A>T (p.Asp135Val)

Gene: TNNT2 (troponin T2, cardiac type; minus strand). Cytogenetic location: 1q32.1.
Variant type: single nucleotide variant.
Coding change: c.404A>T on transcript NM_001276345.2 (MANE Select); coding-DNA position 404, A replaced by T.
Protein change: p.Asp135Val; replaces aspartic acid 135 with valine.
Molecular consequence: missense variant. On other transcripts: intron variant (1).
Genome position (GRCh38, 1-based): chr1:201,365,198, T>A on the plus strand (A>T on the coding strand, the complement: TNNT2 is on the minus strand). VCF-style: chr1-201365198-T-A. GRCh37 (hg19) VCF-style: chr1-201334326-T-A.
Other names: c.404A>T, p.Asp135Val (NM_000364.4); c.374A>T, p.Asp125Val (NM_001001430.3, NM_001001431.3, NM_001276347.2); c.359A>T, p.Asp120Val (NM_001001432.3); c.291+412A>T (NM_001276346.2); short protein forms D120V, D125V, D135V.
Identifiers: ClinVar variation 1000713 (VCV001000713.14), dbSNP rs759758840, ClinGen allele CA344206175.

ClinVar aggregate classification (germline): Uncertain significance. Review status: criteria provided, multiple submitters, no conflicts (2 of 4 stars). 7 submissions from 5 submitters: Uncertain significance (7). Last evaluated 2025-06-03.

Conditions:
Cardiovascular phenotype. Identifiers: MedGen CN230736.
Cardiomyopathy (CMYO). Also called: Cardiomyopathies. Identifiers: Orphanet 167848, MedGen C0878544, MONDO:0004994, HP:0001638. Inheritance: Various modes of inheritance.
Dilated cardiomyopathy 1D. Identifiers: Orphanet 154, Orphanet 54260, MedGen C1832243, MONDO:0011095, OMIM 601494.
Cardiomyopathy, familial restrictive, 3. Identifiers: Orphanet 75249, MedGen C2676271, MONDO:0012900, OMIM 612422.
Hypertrophic cardiomyopathy 2. Also called: TNNT2-Related Familial Hypertrophic Cardiomyopathy. Identifiers: MedGen C1861864, MONDO:0007266, OMIM 115195.

Allele frequency attached by ClinVar (database versions not stated): TOPMed below 0.00001; gnomAD 0.00001.
gnomAD v4.1: 1 of 1,613,582 alleles (0.000062%); highest among the groups gnomAD compares: Admixed American, 0.0017%; no homozygotes.

Submissions (7):

Color Diagnostics, LLC DBA Color Health
Classification: Uncertain significance for Cardiomyopathy. Last evaluated: 2025-06-03. Review status: criteria provided, single submitter. Criteria: ACMG Guidelines, 2015. Collection method: clinical testing. Allele origin: germline.
Comment: This missense variant replaces aspartic acid with valine at codon 125 of the TNNT2 protein. This variant is found within a highly conserved region of the tropomyosin binding domain. Missense variants in this region have been shown to be significantly overrepresented in individuals with affected with hypertrophic cardiomyopathy (PMID: 30696458). Computational prediction suggests that this variant may have a deleterious impact on protein structure and function. To our knowledge, functional studies have not been reported for this variant. This variant has not been reported in individuals affected with TNNT2-related disorders in the literature. This variant has not been identified in the general population by the Genome Aggregation Database (gnomAD). The available evidence is insufficient to determine the role of this variant in disease conclusively. Therefore, this variant is classified as a Variant of Uncertain Significance.

Genome-Nilou Lab
Classification: Uncertain significance for Dilated cardiomyopathy 1D. Last evaluated: 2023-04-11. Review status: criteria provided, single submitter. Criteria: ACMG Guidelines, 2015. Collection method: clinical testing. Allele origin: germline. Affected: no.

Genome-Nilou Lab
Classification: Uncertain significance for Cardiomyopathy, familial restrictive, 3. Last evaluated: 2023-04-11. Review status: criteria provided, single submitter. Criteria: ACMG Guidelines, 2015. Collection method: clinical testing. Allele origin: germline. Affected: no.

Genome-Nilou Lab
Classification: Uncertain significance for Hypertrophic cardiomyopathy 2. Last evaluated: 2023-04-11. Review status: criteria provided, single submitter. Criteria: ACMG Guidelines, 2015. Collection method: clinical testing. Allele origin: germline. Affected: no.

Labcorp Genetics (formerly Invitae), Labcorp
Classification: Uncertain significance for Cardiomyopathy, familial restrictive, 3; Hypertrophic cardiomyopathy 2; Dilated cardiomyopathy 1D. Last evaluated: 2022-07-02. Review status: criteria provided, single submitter. Criteria: Invitae Variant Classification Sherloc (09022015). Collection method: clinical testing. Allele origin: germline.
Comment: This variant is not present in population databases (gnomAD no frequency). This sequence change replaces aspartic acid, which is acidic and polar, with valine, which is neutral and non-polar, at codon 125 of the TNNT2 protein (p.Asp125Val). This variant has not been reported in the literature in individuals affected with TNNT2-related conditions. Algorithms developed to predict the effect of sequence changes on RNA splicing suggest that this variant may create or strengthen a splice site. ClinVar contains an entry for this variant (Variation ID: 1000713). Algorithms developed to predict the effect of missense changes on protein structure and function (SIFT, PolyPhen-2, Align-GVGD) all suggest that this variant is likely to be disruptive. In summary, the available evidence is currently insufficient to determine the role of this variant in disease. Therefore, it has been classified as a Variant of Uncertain Significance.

GeneDx
Classification: Uncertain significance. Last evaluated: 2022-05-27. Review status: criteria provided, single submitter. Criteria: GeneDx Variant Classification Process June 2021. Collection method: clinical testing. Allele origin: germline. Affected: yes.
Comment: Not observed at significant frequency in large population cohorts (gnomAD); In silico analysis supports that this missense variant has a deleterious effect on protein structure/function; In silico analysis, which includes splice predictors and evolutionary conservation, suggests this variant may impact gene splicing. In the absence of RNA/functional studies, the actual effect of this sequence change is unknown.; Has not been previously published as pathogenic or benign to our knowledge

Ambry Genetics
Classification: Uncertain significance for Cardiovascular phenotype. Last evaluated: 2020-11-23. Review status: criteria provided, single submitter. Criteria: Ambry Variant Classification Scheme 2023. Collection method: clinical testing. Allele origin: germline.
Comment: The p.D125V variant (also known as c.374A>T), located in coding exon 8 of the TNNT2 gene, results from an A to T substitution at nucleotide position 374. The aspartic acid at codon 125 is replaced by valine, an amino acid with highly dissimilar properties. This amino acid position is well conserved in available vertebrate species. In addition, the in silico prediction for this alteration is inconclusive. Since supporting evidence is limited at this time, the clinical significance of this alteration remains unclear.

Literature cited by the submitters: PubMed 30696458 (cited by Color Diagnostics, LLC DBA Color Health).